The following is an entry in ClinVar:

ClinVar aggregate classification (germline): Uncertain significance. Review status: criteria provided, multiple submitters, no conflicts (2 of 4 stars). 6 submissions from 6 submitters: Uncertain significance (5). 1 of the submissions does not count toward it. Last evaluated 2026-08-12.

Conditions:
Inborn genetic diseases. Identifiers: MedGen C0950123, MeSH D030342.
BMP1-related disorder. Also called: BMP1-related condition.

Allele frequency attached by ClinVar (database versions not stated): gnomAD exomes 0.00005; gnomAD 0.00006; ExAC 0.00007; TOPMed 0.00008; 1000 Genomes Project 30x 0.00016; 1000 Genomes Project 0.00020.
gnomAD v4.1: 78 of 1,601,398 alleles (0.0049%); highest among the groups gnomAD compares: Middle Eastern, 0.12%; no homozygotes.

Submissions (6):

GeneDx
Classification: Uncertain significance. Last evaluated: 2026-08-12. Review status: criteria provided, single submitter. Criteria: GeneDx Variant Classification Process June 2021. Collection method: clinical testing. Allele origin: germline.
Comment: In silico analysis supports that this missense variant has a deleterious effect on protein structure/function; Has not been previously published as pathogenic or benign to our knowledge

Ambry Genetics
Classification: Uncertain significance for Inborn genetic diseases. Last evaluated: 2025-10-18. Review status: criteria provided, single submitter. Criteria: Ambry Variant Classification Scheme 2023. Collection method: clinical testing. Allele origin: germline.

Blueprint Genetics
Classification: Uncertain significance. Last evaluated: 2024-09-03. Review status: criteria provided, single submitter. Criteria: ACMG Guidelines, 2015. Collection method: clinical testing. Allele origin: germline.

Labcorp Genetics (formerly Invitae), Labcorp
Classification: Uncertain significance. Last evaluated: 2021-10-29. Review status: criteria provided, single submitter. Criteria: Invitae Variant Classification Sherloc (09022015). Collection method: clinical testing. Allele origin: germline.
Comment: This sequence change replaces isoleucine, which is neutral and non-polar, with threonine, which is neutral and polar, at codon 139 of the BMP1 protein (p.Ile139Thr). This variant is present in population databases (rs200568225, gnomAD 0.02%). This variant has not been reported in the literature in individuals affected with BMP1-related conditions. ClinVar contains an entry for this variant (Variation ID: 593367). Algorithms developed to predict the effect of missense changes on protein structure and function (SIFT, PolyPhen-2, Align-GVGD) all suggest that this variant is likely to be disruptive. In summary, the available evidence is currently insufficient to determine the role of this variant in disease. Therefore, it has been classified as a Variant of Uncertain Significance.

Eurofins Ntd Llc (ga)
Classification: Uncertain significance. Last evaluated: 2017-08-08. Review status: criteria provided, single submitter. Criteria: EGL Classification Definitions 2015. Collection method: clinical testing. Allele origin: germline. Observed: 1 variant allele, 1 heterozygote.

PreventionGenetics, part of Exact Sciences
Classification: Uncertain significance for BMP1-related condition. Last evaluated: 2024-06-23. Review status: no assertion criteria provided. Collection method: clinical testing. Allele origin: germline. Not counted in ClinVar's aggregate classification.
Comment: The BMP1 c.416T>C variant is predicted to result in the amino acid substitution p.Ile139Thr. To our knowledge, this variant has not been reported in the literature. This variant is reported in 0.020% of alleles in individuals of African descent in gnomAD. At this time, the clinical significance of this variant is uncertain due to the absence of conclusive functional and genetic evidence.

NM_006129.5(BMP1):c.416T>C (p.Ile139Thr)

Gene: BMP1 (bone morphogenetic protein 1; plus strand). Cytogenetic location: 8p21.3.
Variant type: single nucleotide variant.
Coding change: c.416T>C on transcript NM_006129.5 (MANE Select); coding-DNA position 416, T replaced by C.
Protein change: p.Ile139Thr; replaces isoleucine 139 with threonine.
Molecular consequence: missense variant. On other transcripts: non-coding transcript variant (2).
Genome position (GRCh38, 1-based): chr8:22,176,296, T>C. VCF-style: chr8-22176296-T-C. GRCh37 (hg19) VCF-style: chr8-22033809-T-C.
Other names: c.416T>C, p.Ile139Thr (NM_001199.4); short protein forms I139T.
Identifiers: ClinVar variation 593367 (VCV000593367.14), dbSNP rs200568225, ClinGen allele CA4664248.